The following is an entry in ClinVar:

NM_182961.4(SYNE1):c.21413C>G (p.Ala7138Gly)

Gene: SYNE1 (spectrin repeat containing nuclear envelope protein 1; minus strand). Cytogenetic location: 6q25.2.
Variant type: single nucleotide variant.
Coding change: c.21413C>G on transcript NM_182961.4 (MANE Select); coding-DNA position 21413, C replaced by G.
Protein change: p.Ala7138Gly; replaces alanine 7138 with glycine.
Molecular consequence: missense variant.
Genome position (GRCh38, 1-based): chr6:152,224,603, G>C on the plus strand (C>G on the coding strand, the complement: SYNE1 is on the minus strand). VCF-style: chr6-152224603-G-C. GRCh37 (hg19) VCF-style: chr6-152545738-G-C.
Other names: c.21200C>G, p.Ala7067Gly (NM_033071.5); short protein forms A7067G, A7138G.
Identifiers: ClinVar variation 2684043 (VCV002684043.1), dbSNP rs2081024832, ClinGen allele CA366107744.

ClinVar aggregate classification (germline): Uncertain significance (1 of 4 stars; one submission).

Allele frequency attached by ClinVar (database versions not stated): gnomAD exomes 0.00001.
gnomAD v4.1: 6 of 1,613,888 alleles (0.00037%); highest among the groups gnomAD compares: Non-Finnish European, 0.00051%; no homozygotes.

Submission:

Athena Diagnostics
Classification: Uncertain significance. Last evaluated: 2022-12-02. Review status: criteria provided, single submitter. Criteria: Athena Diagnostics Criteria. Collection method: clinical testing. Allele origin: unknown.
Comment: Available data are insufficient to determine the clinical significance of the variant at this time. This variant has not been reported in large, multi-ethnic general populations. Computational tools disagree on the variant's effect on normal protein function.